The following is an entry in ClinVar:

ClinVar aggregate classification (germline): Likely benign. Review status: criteria provided, multiple submitters, no conflicts (2 of 4 stars). 2 submissions from 2 submitters: Likely benign (2). Last evaluated 2026-06-01.

gnomAD v4.1: 62 of 1,612,894 alleles (0.0038%); highest among the groups gnomAD compares: South Asian, 0.047%; no homozygotes.

Submissions (2):

CeGaT Center for Human Genetics Tuebingen
Classification: Likely benign. Last evaluated: 2026-06-01. Review status: criteria provided, single submitter. Criteria: CeGaT Center For Human Genetics Tuebingen Variant Classification Criteria Version 2. Collection method: clinical testing. Allele origin: germline. Affected: yes. Observed: 2 variant alleles.
Comment: CTBP1: BP4, BP7

Labcorp Genetics (formerly Invitae), Labcorp
Classification: Likely benign. Last evaluated: 2025-09-22. Review status: criteria provided, single submitter. Criteria: Invitae Variant Classification Sherloc (09022015). Collection method: clinical testing. Allele origin: germline.

NM_001012614.2(CTBP1):c.942C>T (p.Ile314=)

Genes: CTBP1-AS (CTBP1 antisense RNA; plus strand), CTBP1 (C-terminal binding protein 1; minus strand). Cytogenetic location: 4p16.3.
Variant type: single nucleotide variant.
Coding change: c.942C>T on transcript NM_001012614.2 (MANE Select); coding-DNA position 942, C replaced by T.
Protein change: p.Ile314=; no amino-acid change (isoleucine 314 retained).
Molecular consequence: synonymous variant.
Genome position (GRCh38, 1-based): chr4:1,213,524, G>A on the plus strand (C>T on the coding strand, the complement: CTBP1 is on the minus strand). VCF-style: chr4-1213524-G-A. GRCh37 (hg19) VCF-style: chr4-1207312-G-A.
Other names: c.975C>T, p.Ile325= (NM_001328.3, NM_001377186.1); c.942C>T, p.Ile314= (NM_001377187.1, NM_001377188.1, NM_001377189.1 and 4 more transcripts).
Identifiers: ClinVar variation 1581371 (VCV001581371.32), dbSNP rs778712973, ClinGen allele CA2804233.